The following is an entry in ClinVar:

ClinVar aggregate classification (germline): Uncertain significance. Review status: criteria provided, multiple submitters, no conflicts (2 of 4 stars). 2 submissions from 2 submitters: Uncertain significance (2). Last evaluated 2026-08-06.

Conditions:
Neutral 1 amino acid transport defect (HND). Also called: HARTNUP DISORDER; Hartnup disease. Identifiers: Orphanet 2116, MedGen C0018609, MONDO:0009324, OMIM 234500.

Allele frequency attached by ClinVar (database versions not stated): gnomAD exomes below 0.00001; ExAC 0.00001; gnomAD 0.00001; TOPMed 0.00001.

Submissions (2):

OLLIN Analises Genomicas, OLLIN
Classification: Uncertain significance for Neutral 1 amino acid transport defect. Last evaluated: 2026-08-06. Review status: criteria provided, single submitter. Criteria: ACMG Guidelines 2015 PMID 25741868. Collection method: clinical testing. Allele origin: germline. Inheritance: Autosomal recessive inheritance.
Comment: This missense variant, located in exon 9 (of 12), has been reported in ClinVar (accession VCV001901058.5) and in gnomAD with an allele frequency of 0.00043%. However, to our knowledge, it has not been reported in the scientific literature. In silico analysis predicts that this variant has a deleterious effect. According to the currently available evidence, this variant has been classified as uncertain significance (PM2_P, PP3).

Labcorp Genetics (formerly Invitae), Labcorp
Classification: Uncertain significance. Last evaluated: 2024-10-16. Review status: criteria provided, single submitter. Criteria: Invitae Variant Classification Sherloc (09022015). Collection method: clinical testing. Allele origin: germline.
Comment: This sequence change replaces proline, which is neutral and non-polar, with leucine, which is neutral and non-polar, at codon 411 of the SLC6A19 protein (p.Pro411Leu). The frequency data for this variant in the population databases is considered unreliable, as metrics indicate poor data quality at this position in the gnomAD database. This variant has not been reported in the literature in individuals affected with SLC6A19-related conditions. ClinVar contains an entry for this variant (Variation ID: 1901058). Invitae Evidence Modeling of protein sequence and biophysical properties (such as structural, functional, and spatial information, amino acid conservation, physicochemical variation, residue mobility, and thermodynamic stability) has been performed for this missense variant. However, the output from this modeling did not meet the statistical confidence thresholds required to predict the impact of this variant on SLC6A19 protein function. In summary, the available evidence is currently insufficient to determine the role of this variant in disease. Therefore, it has been classified as a Variant of Uncertain Significance.

NM_001003841.3(SLC6A19):c.1232C>T (p.Pro411Leu)

Gene: SLC6A19 (solute carrier family 6 member 19; plus strand). Cytogenetic location: 5p15.33.
Variant type: single nucleotide variant.
Coding change: c.1232C>T on transcript NM_001003841.3 (MANE Select); coding-DNA position 1232, C replaced by T.
Protein change: p.Pro411Leu; replaces proline 411 with leucine.
Molecular consequence: missense variant.
Genome position (GRCh38, 1-based): chr5:1,218,961, C>T. VCF-style: chr5-1218961-C-T. GRCh37 (hg19) VCF-style: chr5-1219076-C-T.
Other names: short protein forms P411L.
Identifiers: ClinVar variation 1901058 (VCV001901058.6), dbSNP rs779217667, ClinGen allele CA3183107.